The following is an entry in ClinVar:

NM_001382430.1(AKT1):c.1130A>C (p.Lys377Thr)

Gene: AKT1 (AKT serine/threonine kinase 1; minus strand). Cytogenetic location: 14q32.33.
Variant type: single nucleotide variant.
Coding change: c.1130A>C on transcript NM_001382430.1 (MANE Select); coding-DNA position 1130, A replaced by C.
Protein change: p.Lys377Thr; replaces lysine 377 with threonine.
Molecular consequence: missense variant.
Genome position (GRCh38, 1-based): chr14:104,772,920, T>G on the plus strand (A>C on the coding strand, the complement: AKT1 is on the minus strand). VCF-style: chr14-104772920-T-G. GRCh37 (hg19) VCF-style: chr14-105239257-T-G.
Other names: c.1130A>C, p.Lys377Thr (NM_001014431.2, NM_001014432.2, NM_001382431.1 and 3 more transcripts); short protein forms K377T.
Identifiers: ClinVar variation 3282970 (VCV003282970.1).
Genomic context (GRCh38, chr14:104,772,920, plus strand): 5'-GGGATGGGCGGCCCTCACCTCTGCTTGGGGTCCTTCTTGAGCAGCCCTGAAAGCAAGGAC[T>G]TGGCCTCGGGACCAAGCGTGCGCGGGAAGCGGATCTCCTCCATGAGGATGAGCTCAAAAA-3'
Protein context (NP_001369359.1, residues 367-387): RFPRTLGPEA[Lys377Thr]SLLSGLLKKD

ClinVar aggregate classification (germline): Uncertain significance (1 of 4 stars; one submission).

Conditions:
Inborn genetic diseases. Identifiers: MedGen C0950123, MeSH D030342.

Submission:

Ambry Genetics
Classification: Uncertain significance for Inborn genetic diseases. Last evaluated: 2024-03-20. Review status: criteria provided, single submitter. Criteria: Ambry Variant Classification Scheme 2023. Collection method: clinical testing. Allele origin: germline.
Comment: The p.K377T variant (also known as c.1130A>C), located in coding exon 10 of the AKT1 gene, results from an A to C substitution at nucleotide position 1130. The lysine at codon 377 is replaced by threonine, an amino acid with similar properties. This amino acid position is conserved. In addition, this alteration is predicted to be tolerated by in silico analysis. Based on the available evidence, the clinical significance of this alteration remains unclear.